The following is an entry in ClinVar:

ClinVar aggregate classification (germline): Uncertain significance. Review status: criteria provided, multiple submitters, no conflicts (2 of 4 stars). 2 submissions from 2 submitters: Uncertain significance (2). Last evaluated 2024-12-12.

Conditions:
Sessile serrated polyposis cancer syndrome (SSPCS). Identifiers: Orphanet 157798, MedGen C4310714, MONDO:0014919, OMIM 617108.

Allele frequency attached by ClinVar (database versions not stated): ExAC 0.00001.
gnomAD v4.1: 1 of 1,614,122 alleles (0.000062%); highest among the groups gnomAD compares: Non-Finnish European, 0.000085%; no homozygotes.

Submissions (2):

Ambry Genetics
Classification: Uncertain significance. Last evaluated: 2024-12-12. Review status: criteria provided, single submitter. Criteria: Ambry Variant Classification Scheme 2023. Collection method: clinical testing. Allele origin: germline.
Comment: The p.Q488L variant (also known as c.1463A>T), located in coding exon 8 of the RNF43 gene, results from an A to T substitution at nucleotide position 1463. The glutamine at codon 488 is replaced by leucine, an amino acid with dissimilar properties. This amino acid position is conserved. In addition, this alteration is predicted to be tolerated by in silico analysis. Based on the available evidence, the clinical significance of this variant remains unclear.

Baylor Genetics
Classification: Uncertain significance for Sessile serrated polyposis cancer syndrome. Last evaluated: 2023-08-02. Review status: criteria provided, single submitter. Criteria: ACMG Guidelines, 2015. Collection method: clinical testing. Allele origin: unknown.

NM_017763.6(RNF43):c.1463A>T (p.Gln488Leu)

Gene: RNF43 (ring finger protein 43; minus strand). Cytogenetic location: 17q22.
Variant type: single nucleotide variant.
Coding change: c.1463A>T on transcript NM_017763.6 (MANE Select); coding-DNA position 1463, A replaced by T.
Protein change: p.Gln488Leu; replaces glutamine 488 with leucine.
Molecular consequence: missense variant.
Genome position (GRCh38, 1-based): chr17:58,358,313, T>A on the plus strand (A>T on the coding strand, the complement: RNF43 is on the minus strand). VCF-style: chr17-58358313-T-A. GRCh37 (hg19) VCF-style: chr17-56435674-T-A.
Other names: c.1463A>T, p.Gln488Leu (NM_001305544.3); c.1082A>T, p.Gln361Leu (NM_001305545.2); c.1463A>T (NM_017763.4); short protein forms Q361L, Q488L.
Identifiers: ClinVar variation 2678411 (VCV002678411.2), dbSNP rs751894367, ClinGen allele CA8673176.